The following is an entry in ClinVar:

ClinVar aggregate classification (germline): Uncertain significance (1 of 4 stars; one submission).

Submission:

Labcorp Genetics (formerly Invitae), Labcorp
Classification: Uncertain significance. Last evaluated: 2022-07-06. Review status: criteria provided, single submitter. Criteria: Invitae Variant Classification Sherloc (09022015). Collection method: clinical testing. Allele origin: germline.
Comment: In summary, the available evidence is currently insufficient to determine the role of this variant in disease. Therefore, it has been classified as a Variant of Uncertain Significance. Variants that disrupt the consensus splice site are a relatively common cause of aberrant splicing (PMID: 17576681, 9536098). Algorithms developed to predict the effect of sequence changes on RNA splicing suggest that this variant may disrupt the consensus splice site. Algorithms developed to predict the effect of missense changes on protein structure and function are either unavailable or do not agree on the potential impact of this missense change (SIFT: "Deleterious"; PolyPhen-2: "Possibly Damaging"; Align-GVGD: "Class C0"). ClinVar contains an entry for this variant (Variation ID: 1372020). This variant has not been reported in the literature in individuals affected with CACNA1D-related conditions. This variant is not present in population databases (gnomAD no frequency). This sequence change replaces arginine, which is basic and polar, with threonine, which is neutral and polar, at codon 1823 of the CACNA1D protein (p.Arg1823Thr). This variant also falls at the last nucleotide of exon 43, which is part of the consensus splice site for this exon.

Literature cited by the submitters: PubMed 17576681; PubMed 9536098.

NM_001128840.3(CACNA1D):c.5408G>C (p.Arg1803Thr)

Gene: CACNA1D (calcium voltage-gated channel subunit alpha1 D; plus strand). Cytogenetic location: 3p21.1.
Variant type: single nucleotide variant.
Coding change: c.5408G>C on transcript NM_001128840.3 (MANE Select); coding-DNA position 5408, G replaced by C.
Protein change: p.Arg1803Thr; replaces arginine 1803 with threonine.
Molecular consequence: missense variant.
Genome position (GRCh38, 1-based): chr3:53,801,425, G>C. VCF-style: chr3-53801425-G-C. GRCh37 (hg19) VCF-style: chr3-53835452-G-C.
Other names: c.5468G>C, p.Arg1823Thr (NM_000720.4); c.5363G>C, p.Arg1788Thr (NM_001128839.3); short protein forms R1803T, R1823T, R1788T.
Identifiers: ClinVar variation 1372020 (VCV001372020.6), dbSNP rs2106781577, ClinGen allele CA353251952.
Genomic context (GRCh38, chr3:53,801,425, plus strand): 5'-ATGGGCATCATTCTTCCCACAAGCATGACCGGGAGCCTCAGAGAAGGTCCAGTGTGAAAA[G>C]GTAACCTTGACAATGTGTTTGGACTTGCTCATGTGGTGTCTGCCCGTGTTGCGTCTAGTC-3'
Protein context (NP_001122312.1, residues 1793-1813): REPQRRSSVK[Arg1803Thr]TRYYETYIRS